The following is an entry in ClinVar:

ClinVar aggregate classification (germline): Benign/Likely benign. Review status: criteria provided, multiple submitters, no conflicts (2 of 4 stars). 6 submissions from 6 submitters: Benign (1); Likely benign (5). Last evaluated 2026-07-01.

Conditions:
DYNC1H1-related disorder. Also called: DYNC1H1-related disorders; DYNC1H1-related condition. Identifiers: MedGen CN381529.
Inborn genetic diseases. Identifiers: MedGen C0950123, MeSH D030342.
Charcot-Marie-Tooth disease axonal type 2O. Also called: CHARCOT-MARIE-TOOTH NEUROPATHY, AXONAL, TYPE 2O; CHARCOT-MARIE-TOOTH DISEASE, AXONAL, AUTOSOMAL DOMINANT, TYPE 2O; Charcot-Marie-Tooth disease, axonal, type 20; Charcot-Marie-Tooth Neuropathy Type 2O. Identifiers: Orphanet 284232, MedGen C3280220, MONDO:0013644, OMIM 614228.

Allele frequency attached by ClinVar (database versions not stated): ExAC 0.00006; gnomAD exomes 0.00006; gnomAD 0.00011; ESP Exome Variant Server 0.00015; TOPMed 0.00020; 1000 Genomes Project 0.00040; 1000 Genomes Project 30x 0.00047.
gnomAD v4.1: 38 of 1,613,914 alleles (0.0024%); highest among the groups gnomAD compares: Admixed American, 0.03%; no homozygotes.

Submissions (6):

CeGaT Center for Human Genetics Tuebingen
Classification: Likely benign. Last evaluated: 2026-07-01. Review status: criteria provided, single submitter. Criteria: CeGaT Center For Human Genetics Tuebingen Variant Classification Criteria Version 2. Collection method: clinical testing. Allele origin: germline. Affected: yes. Observed: 1 variant allele.
Comment: DYNC1H1: BS2

Labcorp Genetics (formerly Invitae), Labcorp
Classification: Benign for Charcot-Marie-Tooth disease axonal type 2O. Last evaluated: 2025-11-12. Review status: criteria provided, single submitter. Criteria: Invitae Variant Classification Sherloc (09022015). Collection method: clinical testing. Allele origin: germline.

PreventionGenetics, part of Exact Sciences
Classification: Likely benign for DYNC1H1-related condition. Last evaluated: 2025-09-24. Review status: criteria provided, single submitter. Criteria: ACMG Guidelines, 2015. Collection method: clinical testing. Allele origin: germline.
Comment: This variant is classified as likely benign based on ACMG/AMP sequence variant interpretation guidelines (Richards et al. 2015 PMID: 25741868, with internal and published modifications).

Women's Health and Genetics/Laboratory Corporation of America, LabCorp
Classification: Likely benign. Last evaluated: 2025-01-27. Review status: criteria provided, single submitter. Criteria: LabCorp Variant Classification Summary - May 2015. Collection method: clinical testing. Allele origin: germline.
Comment: Variant summary: DYNC1H1 c.13667G>A (p.Cys4556Tyr) results in a non-conservative amino acid change in the encoded protein sequence. Three of four in-silico tools predict a damaging effect of the variant on protein function. The variant allele was found at a frequency of 6.4e-05 in 250490 control chromosomes (gnomAD). The observed variant frequency is approximately 64 fold of the estimated maximal expected allele frequency for a pathogenic variant in DYNC1H1 causing Charcot-Marie-Tooth disease axonal type 2O phenotype (1e-06). To our knowledge, no occurrence of c.13667G>A in individuals affected with Charcot-Marie-Tooth disease axonal type 2O and no experimental evidence demonstrating its impact on protein function have been reported. ClinVar contains an entry for this variant (Variation ID: 245887). Based on the evidence outlined above, the variant was classified as likely benign.

Ambry Genetics
Classification: Likely benign for Inborn genetic diseases. Last evaluated: 2021-06-08. Review status: criteria provided, single submitter. Criteria: Ambry Variant Classification Scheme 2023. Collection method: clinical testing. Allele origin: germline.

GeneDx
Classification: Likely benign. Last evaluated: 2020-11-03. Review status: criteria provided, single submitter. Criteria: GeneDx Variant Classification Process June 2021. Collection method: clinical testing. Allele origin: germline. Affected: yes.

NM_001376.5(DYNC1H1):c.13667G>A (p.Cys4556Tyr)

Gene: DYNC1H1 (dynein cytoplasmic 1 heavy chain 1; plus strand). Cytogenetic location: 14q32.31.
Variant type: single nucleotide variant.
Coding change: c.13667G>A on transcript NM_001376.5 (MANE Select); coding-DNA position 13667, G replaced by A.
Protein change: p.Cys4556Tyr; replaces cysteine 4556 with tyrosine.
Molecular consequence: missense variant.
Genome position (GRCh38, 1-based): chr14:102,049,865, G>A. VCF-style: chr14-102049865-G-A. GRCh37 (hg19) VCF-style: chr14-102516202-G-A.
Other names: short protein forms C4556Y.
Identifiers: ClinVar variation 245887 (VCV000245887.17), dbSNP rs142519155, ClinGen allele CA7354299.